The following is an entry in ClinVar:

NM_001184.4(ATR):c.7640G>A (p.Arg2547Gln)

Gene: ATR (ATR checkpoint kinase; minus strand). Cytogenetic location: 3q23.
Variant type: single nucleotide variant.
Coding change: c.7640G>A on transcript NM_001184.4 (MANE Select); coding-DNA position 7640, G replaced by A.
Protein change: p.Arg2547Gln; replaces arginine 2547 with glutamine.
Molecular consequence: missense variant.
Genome position (GRCh38, 1-based): chr3:142,457,619, C>T on the plus strand (G>A on the coding strand, the complement: ATR is on the minus strand). VCF-style: chr3-142457619-C-T. GRCh37 (hg19) VCF-style: chr3-142176461-C-T.
Other names: c.7448G>A, p.Arg2483Gln (NM_001354579.2); short protein forms R2483Q, R2547Q.
Identifiers: ClinVar variation 4882091 (VCV004882091.2).

ClinVar aggregate classification (germline): Uncertain significance (1 of 4 stars; one submission).

gnomAD v4.1: 3 of 1,613,972 alleles (0.00019%); highest among the groups gnomAD compares: East Asian, 0.0022%; no homozygotes.

Submission:

Dasa
Classification: Uncertain significance. Last evaluated: 2025-04-12. Review status: criteria provided, single submitter. Criteria: DASA Assertion Criteria. Collection method: clinical testing. Allele origin: germline.
Comment: NM_001184.4(ATR):c.7640G>A (p.Arg2547Gln) is a missense variant that results in the substitution of arginine with glutamine. This variant is rare in population databases. Computational prediction algorithms are consistent with a benign effect. The currently available literature and clinical evidence are not sufficient to establish a definitive association between this variant and the reported condition. Therefore, this variant is classified as a variant of uncertain significance.